The following is an entry in ClinVar:

NM_018026.4(PACS1):c.2131A>G (p.Met711Val)

Gene: PACS1 (phosphofurin acidic cluster sorting protein 1; plus strand). Cytogenetic location: 11q13.2.
Variant type: single nucleotide variant.
Coding change: c.2131A>G on transcript NM_018026.4 (MANE Select); coding-DNA position 2131, A replaced by G.
Protein change: p.Met711Val; replaces methionine 711 with valine.
Molecular consequence: missense variant.
Genome position (GRCh38, 1-based): chr11:66,235,327, A>G. VCF-style: chr11-66235327-A-G. GRCh37 (hg19) VCF-style: chr11-66002798-A-G.
Other names: short protein forms M711V.
Identifiers: ClinVar variation 1329586 (VCV001329586.2), dbSNP rs1590840532, ClinGen allele CA381376468.

ClinVar aggregate classification (germline): Uncertain significance (1 of 4 stars; one submission).

Allele frequency attached by ClinVar (database versions not stated): gnomAD exomes below 0.00001.
gnomAD v4.1: 1 of 1,614,002 alleles (0.000062%); highest among the groups gnomAD compares: Non-Finnish European, 0.000085%; no homozygotes.

Submission:

GeneDx
Classification: Uncertain significance. Last evaluated: 2021-06-24. Review status: criteria provided, single submitter. Criteria: GeneDx Variant Classification Process June 2021. Collection method: clinical testing. Allele origin: germline. Affected: yes.
Comment: Not observed at significant frequency in large population cohorts (Lek et al., 2016); In silico analysis supports that this missense variant does not alter protein structure/function; Has not been previously published as pathogenic or benign to our knowledge; This variant is associated with the following publications: (PMID: 27535533)